The following is an entry in ClinVar:

ClinVar aggregate classification (germline): Uncertain significance (1 of 4 stars; one submission).

Allele frequency attached by ClinVar (database versions not stated): gnomAD exomes below 0.00001; TOPMed below 0.00001.

Submission:

Labcorp Genetics (formerly Invitae), Labcorp
Classification: Uncertain significance. Last evaluated: 2021-10-28. Review status: criteria provided, single submitter. Criteria: Invitae Variant Classification Sherloc (09022015). Collection method: clinical testing. Allele origin: germline.
Comment: In summary, the available evidence is currently insufficient to determine the role of this variant in disease. Therefore, it has been classified as a Variant of Uncertain Significance. Algorithms developed to predict the effect of missense changes on protein structure and function are either unavailable or do not agree on the potential impact of this missense change (SIFT: "Not Available"; PolyPhen-2: "Probably Damaging"; Align-GVGD: "Not Available"). This variant has not been reported in the literature in individuals affected with MYO18B-related conditions. This variant is present in population databases (no rsID available, gnomAD 0.006%). This sequence change replaces glycine, which is neutral and non-polar, with serine, which is neutral and polar, at codon 1145 of the MYO18B protein (p.Gly1145Ser).

NM_032608.7(MYO18B):c.3433G>A (p.Gly1145Ser)

Gene: MYO18B (myosin XVIIIB; plus strand). Cytogenetic location: 22q12.1.
Variant type: single nucleotide variant.
Coding change: c.3433G>A on transcript NM_032608.7 (MANE Select); coding-DNA position 3433, G replaced by A.
Protein change: p.Gly1145Ser; replaces glycine 1145 with serine.
Molecular consequence: missense variant.
Genome position (GRCh38, 1-based): chr22:25,846,164, G>A. VCF-style: chr22-25846164-G-A. GRCh37 (hg19) VCF-style: chr22-26242131-G-A.
Other names: c.3436G>A, p.Gly1146Ser (NM_001318245.2); short protein forms G1145S, G1146S.
Identifiers: ClinVar variation 1462852 (VCV001462852.6), dbSNP rs1319209962, ClinGen allele CA410999208.